The following is an entry in ClinVar:

ClinVar aggregate classification (germline): Likely pathogenic (1 of 4 stars; one submission).

Conditions:
Costello syndrome (CSTLO). Also called: FCS SYNDROME; FACIOCUTANEOSKELETAL SYNDROME; HRAS-Related Costello Syndrome. Identifiers: Orphanet 3071, MedGen C0587248, MONDO:0009026, OMIM 218040.

Submission:

Labcorp Genetics (formerly Invitae), Labcorp
Classification: Likely pathogenic for Costello syndrome. Last evaluated: 2021-12-29. Review status: criteria provided, single submitter. Criteria: Invitae Variant Classification Sherloc (09022015). Collection method: clinical testing. Allele origin: germline.
Comment: In summary, the currently available evidence indicates that the variant is pathogenic, but additional data are needed to prove that conclusively. Therefore, this variant has been classified as Likely Pathogenic. Experimental studies and prediction algorithms are not available or were not evaluated, and the functional significance of this variant is currently unknown. This variant has been observed in individual(s) with clinical features of Costello syndrome (Invitae). In at least one individual the variant was observed to be de novo. This variant is not present in population databases (gnomAD no frequency). This variant, c.171_185dup, results in the insertion of 5 amino acid(s) of the HRAS protein (p.Asp57_Gln61dup), but otherwise preserves the integrity of the reading frame.

NM_005343.4(HRAS):c.171_185dup (p.Asp57_Gln61dup)

Genes: HRAS (HRas proto-oncogene, GTPase; minus strand), LRRC56 (leucine rich repeat containing 56; plus strand). Cytogenetic location: 11p15.5.
Variant type: Duplication.
Coding change: c.171_185dup on transcript NM_005343.4 (MANE Select); coding-DNA positions 171 to 185, 15 bases duplicated (TACCGCCGGCCAGGA).
Protein change: p.Asp57_Gln61dup.
Molecular consequence: inframe insertion. On other transcripts: 5 prime UTR variant (1).
Genome position (GRCh38, 1-based): chr11:533,871-533,885, TCCTGGCCGGCGGTA duplicated on the plus strand (TACCGCCGGCCAGGA on the coding strand, the reverse complement: HRAS is on the minus strand); duplicating any 15 consecutive bases within chr11:533,871-533,888 gives the same sequence; the c. name uses the placement nearest the transcript's 3' end. VCF-style (leftmost placement, unchanged base first): chr11-533870-C-CTCCTGGCCGGCGGTA. GRCh37 (hg19) VCF-style: chr11-533870-C-CTCCTGGCCGGCGGTA.
Other names: c.171_185dup, p.Asp57_Gln61dup (NM_001130442.3, NM_176795.5); c.-149_-135dup (NM_001318054.2).
Identifiers: ClinVar variation 1478514 (VCV001478514.6), dbSNP rs2133990973, ClinGen allele CA2573147056.